The following is an entry in ClinVar:

NM_000512.5(GALNS):c.1000C>T (p.Gln334Ter)

Gene: GALNS (galactosamine (N-acetyl)-6-sulfatase; minus strand). Cytogenetic location: 16q24.3.
Variant type: single nucleotide variant.
Coding change: c.1000C>T on transcript NM_000512.5 (MANE Select); coding-DNA position 1000, C replaced by T.
Protein change: p.Gln334Ter; replaces glutamine 334 with a stop codon.
Molecular consequence: nonsense.
Genome position (GRCh38, 1-based): chr16:88,832,000, G>A on the plus strand (C>T on the coding strand, the complement: GALNS is on the minus strand). VCF-style: chr16-88832000-G-A. GRCh37 (hg19) VCF-style: chr16-88898408-G-A.
Other names: c.445C>T, p.Gln149Ter (NM_001323543.2); c.1018C>T, p.Gln340Ter (NM_001323544.2); short protein forms Q334*, Q149*, Q340*.
Identifiers: ClinVar variation 619963 (VCV000619963.8), dbSNP rs1567526805, ClinGen allele CA397100890.

ClinVar aggregate classification (germline): Pathogenic. Review status: criteria provided, multiple submitters, no conflicts (2 of 4 stars). 4 submissions from 4 submitters: Pathogenic (4). Last evaluated 2021-11-07.

Conditions:
Mucopolysaccharidosis, MPS-IV-A (MPS4A). Also called: MORQUIO SYNDROME A; MPS IVA; GALACTOSAMINE-6-SULFATASE DEFICIENCY; GALNS DEFICIENCY; MORQUIO A DISEASE; mucopolysaccharidosis type 4A. Identifiers: Orphanet 309297, Orphanet 582, MedGen C0086651, MONDO:0009659, OMIM 253000.

Submissions (4):

Genome-Nilou Lab
Classification: Pathogenic for Mucopolysaccharidosis, MPS-IV-A. Last evaluated: 2021-11-07. Review status: criteria provided, single submitter. Criteria: ACMG Guidelines, 2015. Collection method: clinical testing. Allele origin: germline. Affected: no.

Laboratory of Diagnosis and Therapy of Lysosomal Disorders, University of Padova
Classification: Pathogenic for Mucopolysaccharidosis, MPS-IV-A. Last evaluated: 2021-02-01. Review status: criteria provided, single submitter. Criteria: ACMG Guidelines, 2015. Collection method: curation. Allele origin: germline. Affected: yes.
Comment: Nonsense variant (PVS1_very strong); the prevalence of the variant in affected individuals is significantly increased compared with the prevalence in controls (PS4_supporting); absent from gnomAD v2.1.1 (PM2_moderate)

Molecular Diagnostics Laboratory, M Health Fairview: University of Minnesota
Classification: Pathogenic for Mucopolysaccharidosis, MPS-IV-A. Last evaluated: 2018-04-10. Review status: criteria provided, single submitter. Criteria: ACMG Guidelines, 2015. Collection method: clinical testing. Allele origin: germline. Affected: yes. Observed: 1 variant allele.

Neuberg Centre For Genomic Medicine, NCGM
Classification: Pathogenic for Mucopolysaccharidosis, MPS-IV-A. Review status: criteria provided, single submitter. Criteria: ACMG Guidelines, 2015. Collection method: clinical testing. Allele origin: germline. Inheritance: Autosomal recessive inheritance. Affected: yes.
Comment: The stop gained c.1000C>T(p.Gln334Ter) variant adjacent to splice region in GALNS gene has been reported in compound heterozygous/ homozygous states in multiple individuals affected with Mucopolysaccharidosis IVA (Park HD, et. al., 2013; Lee NH, et. al., 2012). The c.1000C>T variant is absent in gnomAD Exomes. This variant has been submitted to the ClinVar database as Pathogenic (multiple submissions). Computational evidence (MutationTaster - Disease causing) predict damaging effect on protein structure and function for this variant. The nucleotide change c.1000C>T in GALNS is predicted as conserved by GERP++ and PhyloP across 100 vertebrates. This variant is predicted to cause loss of normal protein function through protein truncation. Loss of function variants have been previously reported to be disease causing. For these reasons, this variant has been classified as Pathogenic.

Literature cited by the submitters: PubMed 23227063 (cited by Laboratory of Diagnosis and Therapy of Lysosomal Disorders, University of Padova and Molecular Diagnostics Laboratory, M Health Fairview: University of Minnesota); PubMed 23401410 (cited by Laboratory of Diagnosis and Therapy of Lysosomal Disorders, University of Padova); PubMed 34387910 (cited by Laboratory of Diagnosis and Therapy of Lysosomal Disorders, University of Padova).